The following is an entry in ClinVar:

ClinVar aggregate classification (germline): Uncertain significance (1 of 4 stars; one submission).

Conditions:
Primary immunodeficiency with post-measles-mumps-rubella vaccine viral infection. Also called: Immunodeficiency 44. Identifiers: Orphanet 431166, MedGen C4225260, MONDO:0014715, OMIM 616636.

Allele frequency attached by ClinVar (database versions not stated): gnomAD exomes below 0.00001 and 0.00001; gnomAD 0.00001; TOPMed 0.00001.
gnomAD v4.1: 20 of 1,614,076 alleles (0.0012%); highest among the groups gnomAD compares: Non-Finnish European, 0.0015%; no homozygotes.

Submission:

Labcorp Genetics (formerly Invitae), Labcorp
Classification: Uncertain significance for Primary immunodeficiency with post-measles-mumps-rubella vaccine viral infection. Last evaluated: 2019-12-19. Review status: criteria provided, single submitter. Criteria: Invitae Variant Classification Sherloc (09022015). Collection method: clinical testing. Allele origin: germline.
Comment: This sequence change replaces valine with methionine at codon 635 of the STAT2 protein (p.Val635Met). The valine residue is moderately conserved and there is a small physicochemical difference between valine and methionine. This variant is not present in population databases (ExAC no frequency). This variant has not been reported in the literature in individuals with STAT2-related conditions. Algorithms developed to predict the effect of missense changes on protein structure and function output the following: SIFT: "Tolerated"; PolyPhen-2: "Benign"; Align-GVGD: "Class C0". The methionine amino acid residue is found in multiple mammalian species, suggesting that this missense change does not adversely affect protein function. These predictions have not been confirmed by published functional studies and their clinical significance is uncertain. In summary, the available evidence is currently insufficient to determine the role of this variant in disease. Therefore, it has been classified as a Variant of Uncertain Significance.

NM_005419.4(STAT2):c.1903G>A (p.Val635Met)

Gene: STAT2 (signal transducer and activator of transcription 2; minus strand). Cytogenetic location: 12q13.3.
Variant type: single nucleotide variant.
Coding change: c.1903G>A on transcript NM_005419.4 (MANE Select); coding-DNA position 1903, G replaced by A.
Protein change: p.Val635Met; replaces valine 635 with methionine.
Molecular consequence: missense variant.
Genome position (GRCh38, 1-based): chr12:56,346,583, C>T on the plus strand (G>A on the coding strand, the complement: STAT2 is on the minus strand). VCF-style: chr12-56346583-C-T. GRCh37 (hg19) VCF-style: chr12-56740367-C-T.
Other names: c.1891G>A, p.Val631Met (NM_198332.2); short protein forms V635M, V631M.
Identifiers: ClinVar variation 838587 (VCV000838587.9), dbSNP rs1278719364, ClinGen allele CA385259795.
Genomic context (GRCh38, chr12:56,346,583, plus strand): 5'-TCTCCTCAGTGAGCAACTGGTAATGGCGGATGATTTCAGTCAGCGGGAGTGACTGCAGCA[C>T]CTCCTTCGTGTACGGTTGCACAGAGTAGATGAGCACCTTGTCTGGAGAGTGAATGCAGGA-3'
Protein context (NP_005410.1, residues 625-645): IYSVQPYTKE[Val635Met]LQSLPLTEII